The following is an entry in ClinVar:

ClinVar aggregate classification (germline): Likely pathogenic (1 of 4 stars; one submission).

Conditions:
Atransferrinemia. Also called: Familial hypotransferrinemia. Identifiers: Orphanet 1195, MedGen C0521802, MONDO:0008846, OMIM 209300, HP:0012239.

Submission:

Myriad Genetics, Inc.
Classification: Likely pathogenic for Atransferrinemia. Last evaluated: 2025-10-10. Review status: criteria provided, single submitter. Criteria: Myriad Autosomal Dominant, Autosomal Recessive and X-Linked Classification Criteria (2023). Collection method: clinical testing. Allele origin: unknown.
Comment: NM_001063.3(TF):c.871-2A>G is a variant in a canonical splice site classified as likely pathogenic in the context of atransferrinemia. c.871-2A>G has not been observed in cases with relevant disease. Relevant functional assessments of this variant are not available in the literature. c.871-2A>G has not been observed in referenced population frequency databases. In summary, NM_001063.3(TF):c.871-2A>G is a variant in a canonical splice site in a gene where loss of function is a known mechanism of disease and is predicted to disrupt protein function. Please note: this variant was assessed in the context of healthy population screening.

NM_001063.4(TF):c.871-2A>G

Gene: TF (transferrin; plus strand). Cytogenetic location: 3q22.1.
Variant type: single nucleotide variant.
Coding change: c.871-2A>G on transcript NM_001063.4 (MANE Select); the canonical splice acceptor site of the intron before coding-DNA position 871, A replaced by G.
Molecular consequence: splice acceptor variant.
Genome position (GRCh38, 1-based): chr3:133,757,767, A>G. VCF-style: chr3-133757767-A-G. GRCh37 (hg19) VCF-style: chr3-133476611-A-G.
Other names: c.739-2A>G (NM_001354703.2); c.490-2A>G (NM_001354704.2).
Identifiers: ClinVar variation 5004221 (VCV005004221.1).
Genomic context (GRCh38, chr3:133,757,767, plus strand): 5'-TCCCATTTCTCAGCCTCCTTTCTTCTGTGTTGCCATCCACTATTCTGTTTTTCTATGAAC[A>G]GGAACATTTTGGCAAAGACAAATCAAAAGAATTCCAACTATTCAGCTCTCCTCATGGGAA-3'